The following is an entry in ClinVar:

NM_001267550.2(TTN):c.69479G>A (p.Trp23160Ter)

Genes: TTN (titin; minus strand), TTN-AS1 (TTN antisense RNA 1; plus strand). Cytogenetic location: 2q31.2.
Variant type: single nucleotide variant.
Coding change: c.69479G>A on transcript NM_001267550.2 (MANE Select); coding-DNA position 69479, G replaced by A.
Protein change: p.Trp23160Ter; replaces tryptophan 23160 with a stop codon.
Molecular consequence: nonsense.
Genome position (GRCh38, 1-based): chr2:178,576,765, C>T on the plus strand (G>A on the coding strand, the complement: TTN is on the minus strand). VCF-style: chr2-178576765-C-T. GRCh37 (hg19) VCF-style: chr2-179441492-C-T.
Other names: c.42284G>A, p.Trp14095Ter (NM_003319.4); c.64556G>A, p.Trp21519Ter (NM_001256850.1); c.61775G>A, p.Trp20592Ter (NM_133378.4); c.42659G>A, p.Trp14220Ter (NM_133432.3); c.42860G>A, p.Trp14287Ter (NM_133437.4); short protein forms W14095*, W14220*, W14287*, W20592*, W21519*, W23160*.
Identifiers: ClinVar variation 1067824 (VCV001067824.9), dbSNP rs2154173285, ClinGen allele CA349667954.

ClinVar aggregate classification (germline): Likely pathogenic (1 of 4 stars; one submission).

Conditions:
Dilated cardiomyopathy 1G (CMD1G). Identifiers: Orphanet 154, MedGen C1858763, MONDO:0011400, OMIM 604145.
Autosomal recessive limb-girdle muscular dystrophy type 2J (LGMDR10). Also called: Limb-girdle muscular dystrophy, type 2J; MUSCULAR DYSTROPHY, LIMB-GIRDLE, AUTOSOMAL RECESSIVE 10. Identifiers: Orphanet 140922, MedGen C1837342, MONDO:0012127, OMIM 608807.

Submission:

Labcorp Genetics (formerly Invitae), Labcorp
Classification: Likely pathogenic for Dilated cardiomyopathy 1G; Autosomal recessive limb-girdle muscular dystrophy type 2J. Last evaluated: 2020-06-08. Review status: criteria provided, single submitter. Criteria: Invitae Variant Classification Sherloc (09022015). Collection method: clinical testing. Allele origin: germline.
Comment: This variant is not present in population databases (ExAC no frequency). In summary, the currently available evidence indicates that the variant is pathogenic, but additional data are needed to prove that conclusively. Therefore, this variant has been classified as Likely Pathogenic. This variant is located in the A band of TTN (PMID: 25589632). Truncating variants in this region are significantly overrepresented in patients affected with dilated cardiomyopathy (PMID: 25589632). Truncating variants in this region have also been reported in individuals affected with autosomal recessive centronuclear myopathy (PMID: 23975875). This variant has not been reported in the literature in individuals with TTN-related conditions. This sequence change results in a premature translational stop signal in the TTN gene (p.Trp23160*). While this is not anticipated to result in nonsense mediated decay, it is expected to create a truncated TTN protein.

Literature cited by the submitters: PubMed 25589632; PubMed 23975875.